The following is an entry in ClinVar:

ClinVar aggregate classification (germline): Pathogenic/Likely pathogenic. Review status: criteria provided, multiple submitters, no conflicts (2 of 4 stars). 2 submissions from 2 submitters: Pathogenic (1); Likely pathogenic (1). Last evaluated 2024-10-10.

Conditions:
Ciliary dyskinesia, primary, 40. Also called: CILIARY DYSKINESIA, PRIMARY, 40, WITH OR WITHOUT SITUS INVERSUS. Identifiers: MedGen C4749028, MONDO:0032664, OMIM 618300.

Allele frequency attached by ClinVar (database versions not stated): gnomAD exomes 0.00001.
gnomAD v4.1: 3 of 1,613,406 alleles (0.00019%); highest among the groups gnomAD compares: South Asian, 0.0033%; no homozygotes.

Submissions (2):

Revvity Omics, Revvity
Classification: Likely pathogenic for Ciliary dyskinesia, primary, 40. Last evaluated: 2024-10-10. Review status: criteria provided, single submitter. Criteria: ACMG Guidelines, 2015. Collection method: clinical testing. Allele origin: germline.

Labcorp Genetics (formerly Invitae), Labcorp
Classification: Pathogenic. Last evaluated: 2023-02-27. Review status: criteria provided, single submitter. Criteria: Invitae Variant Classification Sherloc (09022015). Collection method: clinical testing. Allele origin: germline.
Comment: This variant has not been reported in the literature in individuals affected with DNAH9-related conditions. This sequence change creates a premature translational stop signal (p.Trp2201*) in the DNAH9 gene. It is expected to result in an absent or disrupted protein product. Loss-of-function variants in DNAH9 are known to be pathogenic (PMID: 30471718). This variant is present in population databases (no rsID available, gnomAD 0.006%). For these reasons, this variant has been classified as Pathogenic.

Literature cited by the submitters: PubMed 30471718 (cited by Labcorp Genetics (formerly Invitae), Labcorp).

NM_001372.4(DNAH9):c.6602G>A (p.Trp2201Ter)

Gene: DNAH9 (dynein axonemal heavy chain 9; plus strand). Cytogenetic location: 17p12.
Variant type: single nucleotide variant.
Coding change: c.6602G>A on transcript NM_001372.4 (MANE Select); coding-DNA position 6602, G replaced by A.
Protein change: p.Trp2201Ter; replaces tryptophan 2201 with a stop codon.
Molecular consequence: nonsense.
Genome position (GRCh38, 1-based): chr17:11,747,758, G>A. VCF-style: chr17-11747758-G-A. GRCh37 (hg19) VCF-style: chr17-11651075-G-A.
Other names: short protein forms W2201*.
Identifiers: ClinVar variation 2980546 (VCV002980546.4), dbSNP rs1225324996, ClinGen allele CA398194266.